The following is an entry in ClinVar:

ClinVar aggregate classification (germline): Uncertain significance. Review status: criteria provided, multiple submitters, no conflicts (2 of 4 stars). 2 submissions from 2 submitters: Uncertain significance (2). Last evaluated 2026-04-09.

Conditions:
IFT172-related disorder. Also called: IFT172-related condition; IFT172-related disorders.
Short-rib thoracic dysplasia 10 with or without polydactyly (SRTD10). Identifiers: Orphanet 474, MedGen C3810175, MONDO:0014284, OMIM 615630.
Retinitis pigmentosa 71 (RP71). Identifiers: Orphanet 791, MedGen C4225342, MONDO:0014618, OMIM 616394.

Allele frequency attached by ClinVar (database versions not stated): TOPMed 0.00001.

Submissions (2):

PreventionGenetics, part of Exact Sciences
Classification: Uncertain significance for IFT172-related condition. Last evaluated: 2026-04-09. Review status: criteria provided, single submitter. Criteria: ACMG Guidelines, 2015. Collection method: clinical testing. Allele origin: germline.
Comment: The IFT172 c.124C>A variant is predicted to result in the amino acid substitution p.Leu42Met. To our knowledge, this variant has not been reported in the literature. This variant is reported in 0.011% of alleles in individuals of African descent in gnomAD. At this time, the clinical significance of this variant is uncertain due to the absence of conclusive functional and genetic evidence.

Labcorp Genetics (formerly Invitae), Labcorp
Classification: Uncertain significance for Retinitis pigmentosa 71; Short-rib thoracic dysplasia 10 with or without polydactyly. Last evaluated: 2022-07-15. Review status: criteria provided, single submitter. Criteria: Invitae Variant Classification Sherloc (09022015). Collection method: clinical testing. Allele origin: germline.
Comment: In summary, the available evidence is currently insufficient to determine the role of this variant in disease. Therefore, it has been classified as a Variant of Uncertain Significance. Algorithms developed to predict the effect of missense changes on protein structure and function are either unavailable or do not agree on the potential impact of this missense change (SIFT: "Deleterious"; PolyPhen-2: "Probably Damaging"; Align-GVGD: "Class C0"). This variant has not been reported in the literature in individuals affected with IFT172-related conditions. This variant is present in population databases (no rsID available, gnomAD 0.01%). This sequence change replaces leucine, which is neutral and non-polar, with methionine, which is neutral and non-polar, at codon 42 of the IFT172 protein (p.Leu42Met).

NM_015662.3(IFT172):c.124C>A (p.Leu42Met)

Gene: IFT172 (intraflagellar transport 172; minus strand). Cytogenetic location: 2p23.3.
Variant type: single nucleotide variant.
Coding change: c.124C>A on transcript NM_015662.3 (MANE Select); coding-DNA position 124, C replaced by A.
Protein change: p.Leu42Met; replaces leucine 42 with methionine.
Molecular consequence: missense variant.
Genome position (GRCh38, 1-based): chr2:27,485,419, G>T on the plus strand (C>A on the coding strand, the complement: IFT172 is on the minus strand). VCF-style: chr2-27485419-G-T. GRCh37 (hg19) VCF-style: chr2-27708286-G-T.
Other names: c.124C>A, p.Leu42Met (NM_001410739.1); c.124C>A (NM_015662.2); short protein forms L42M.
Identifiers: ClinVar variation 2158737 (VCV002158737.5), dbSNP rs1007620906, ClinGen allele CA44520135.
Genomic context (GRCh38, chr2:27,485,419, plus strand): 5'-CCTTCATGTCAGCTGGTTTGGTGGAGAATTTATCTCTCCGTTCTCCATGTTCATCATACA[G>T]CAAGACCACTCGGTCCACTGTGCAGACAGCAAATTTGGCATTGTTCTGGGACCAAGCCAT-3'
Protein context (NP_056477.1, residues 32-52): AVCTVDRVVL[Leu42Met]YDEHGERRDK